The following is an entry in ClinVar:

ClinVar aggregate classification (germline): Uncertain significance (1 of 4 stars; one submission).

Submission:

GeneDx
Classification: Uncertain significance. Last evaluated: 2022-10-25. Review status: criteria provided, single submitter. Criteria: GeneDx Variant Classification Process June 2021. Collection method: clinical testing. Allele origin: germline. Affected: yes.
Comment: Not observed at significant frequency in large population cohorts (gnomAD); In silico analysis supports that this missense variant does not alter protein structure/function; Has not been previously published as pathogenic or benign to our knowledge

NM_000428.3(LTBP2):c.3226T>C (p.Ser1076Pro)

Gene: LTBP2 (latent transforming growth factor beta binding protein 2; minus strand). Cytogenetic location: 14q24.3.
Variant type: single nucleotide variant.
Coding change: c.3226T>C on transcript NM_000428.3 (MANE Select); coding-DNA position 3226, T replaced by C.
Protein change: p.Ser1076Pro; replaces serine 1076 with proline.
Molecular consequence: missense variant.
Genome position (GRCh38, 1-based): chr14:74,509,785, A>G on the plus strand (T>C on the coding strand, the complement: LTBP2 is on the minus strand). VCF-style: chr14-74509785-A-G. GRCh37 (hg19) VCF-style: chr14-74976488-A-G.
Other names: short protein forms S1076P.
Identifiers: ClinVar variation 2501320 (VCV002501320.1), dbSNP rs2506137913, ClinGen allele CA390389509.